The following is an entry in ClinVar:

ClinVar aggregate classification (germline): Conflicting classifications of pathogenicity. Review status: criteria provided, conflicting classifications (1 of 4 stars). 4 submissions from 4 submitters: Uncertain significance (3); Likely benign (1). Last evaluated 2025-12-30.

Conditions:
Hereditary cancer-predisposing syndrome. Also called: Hereditary Cancer Syndrome; Hereditary neoplastic syndrome; Neoplastic Syndromes, Hereditary; Tumor predisposition. Identifiers: Orphanet 140162, MedGen C0027672, MeSH D009386, MONDO:0015356.

Allele frequency attached by ClinVar (database versions not stated): gnomAD exomes 0.00001 and 0.00004; ExAC 0.00002; gnomAD 0.00003; TOPMed 0.00003.
gnomAD v4.1: 14 of 1,613,172 alleles (0.00087%); highest among the groups gnomAD compares: Admixed American, 0.022%; no homozygotes.

Submissions (4):

Labcorp Genetics (formerly Invitae), Labcorp
Classification: Uncertain significance. Last evaluated: 2025-12-30. Review status: criteria provided, single submitter. Criteria: Invitae Variant Classification Sherloc (09022015). Collection method: clinical testing. Allele origin: germline.
Comment: This sequence change replaces threonine, which is neutral and polar, with isoleucine, which is neutral and non-polar, at codon 2273 of the POLE protein (p.Thr2273Ile). This variant is present in population databases (rs779145729, gnomAD 0.02%). This variant has not been reported in the literature in individuals affected with POLE-related conditions. ClinVar contains an entry for this variant (Variation ID: 439280). Invitae Evidence Modeling of protein sequence and biophysical properties (such as structural, functional, and spatial information, amino acid conservation, physicochemical variation, residue mobility, and thermodynamic stability) indicates that this missense variant is not expected to disrupt POLE protein function with a negative predictive value of 80%. In summary, the available evidence is currently insufficient to determine the role of this variant in disease. Therefore, it has been classified as a Variant of Uncertain Significance.

Ambry Genetics
Classification: Likely benign for Hereditary cancer-predisposing syndrome. Last evaluated: 2024-10-17. Review status: criteria provided, single submitter. Criteria: Ambry Variant Classification Scheme 2023. Collection method: clinical testing. Allele origin: germline.

GeneDx
Classification: Uncertain significance. Last evaluated: 2022-03-28. Review status: criteria provided, single submitter. Criteria: GeneDx Variant Classification Process June 2021. Collection method: clinical testing. Allele origin: germline. Affected: yes.
Comment: In silico analysis supports that this missense variant has a deleterious effect on protein structure/function; Has not been previously published as pathogenic or benign to our knowledge

Quest Diagnostics Nichols Institute San Juan Capistrano
Classification: Uncertain significance. Last evaluated: 2017-06-08. Review status: criteria provided, single submitter. Criteria: Quest Diagnostics criteria. Collection method: clinical testing. Allele origin: germline.

NM_006231.4(POLE):c.6818C>T (p.Thr2273Ile)

Gene: POLE (DNA polymerase epsilon, catalytic subunit; minus strand). Cytogenetic location: 12q24.33.
Variant type: single nucleotide variant.
Coding change: c.6818C>T on transcript NM_006231.4 (MANE Select); coding-DNA position 6818, C replaced by T.
Protein change: p.Thr2273Ile; replaces threonine 2273 with isoleucine.
Molecular consequence: missense variant.
Genome position (GRCh38, 1-based): chr12:132,624,740, G>A on the plus strand (C>T on the coding strand, the complement: POLE is on the minus strand). VCF-style: chr12-132624740-G-A. GRCh37 (hg19) VCF-style: chr12-133201326-G-A.
Other names: short protein forms T2273I.
Identifiers: ClinVar variation 439280 (VCV000439280.11), dbSNP rs779145729, ClinGen allele CA6891955.